The following is an entry in ClinVar:

ClinVar aggregate classification (germline): Uncertain significance (1 of 4 stars; one submission).

Submission:

Labcorp Genetics (formerly Invitae), Labcorp
Classification: Uncertain significance. Last evaluated: 2025-03-18. Review status: criteria provided, single submitter. Criteria: Invitae Variant Classification Sherloc (09022015). Collection method: clinical testing. Allele origin: germline.
Comment: This sequence change replaces alanine, which is neutral and non-polar, with threonine, which is neutral and polar, at codon 423 of the ITGAM protein (p.Ala423Thr). This variant is not present in population databases (gnomAD no frequency). This variant has not been reported in the literature in individuals affected with ITGAM-related conditions. ClinVar contains an entry for this variant (Variation ID: 2749034). An algorithm developed to predict the effect of missense changes on protein structure and function (PolyPhen-2) suggests that this variant is likely to be disruptive. In summary, the available evidence is currently insufficient to determine the role of this variant in disease. Therefore, it has been classified as a Variant of Uncertain Significance.

NM_000632.4(ITGAM):c.1267G>A (p.Ala423Thr)

Gene: ITGAM (integrin subunit alpha M; plus strand). Cytogenetic location: 16p11.2.
Variant type: single nucleotide variant.
Coding change: c.1267G>A on transcript NM_000632.4 (MANE Select); coding-DNA position 1267, G replaced by A.
Protein change: p.Ala423Thr; replaces alanine 423 with threonine.
Molecular consequence: missense variant.
Genome position (GRCh38, 1-based): chr16:31,278,020, G>A. VCF-style: chr16-31278020-G-A. GRCh37 (hg19) VCF-style: chr16-31289341-G-A.
Other names: c.1267G>A, p.Ala423Thr (NM_001145808.2); short protein forms A423T.
Identifiers: ClinVar variation 2749034 (VCV002749034.3), dbSNP rs2544400131, ClinGen allele CA395702067.
Genomic context (GRCh38, chr16:31,278,020, plus strand): 5'-CCTTCAGGTTATGCTGCCGCCATCATCTTACGGAACCGGGTGCAAAGCCTGGTTCTGGGG[G>A]CACCTCGATATCAGCACATCGGCCTGGTAGCGATGTTCAGGCAGAACACTGGCATGTGGG-3'
Protein context (NP_000623.2, residues 413-433): RNRVQSLVLG[Ala423Thr]PRYQHIGLVA